The following is an entry in ClinVar:

ClinVar aggregate classification (germline): Pathogenic/Likely pathogenic. Review status: criteria provided, multiple submitters, no conflicts (2 of 4 stars). 3 submissions from 3 submitters: Pathogenic (1); Likely pathogenic (2). Last evaluated 2025-04-19.

Conditions:
Congenital myasthenic syndrome (CMS). Also called: Congenital Myasthenic Syndromes. Identifiers: Orphanet 590, MedGen C0751882, MeSH D020294, MONDO:0018940.
Familial infantile myasthenia (CMS6). Also called: Congenital myasthenic syndrome type 6; MYASTHENIC SYNDROME, PRESYNAPTIC, CONGENITAL, ASSOCIATED WITH EPISODIC APNEA; MYASTHENIC SYNDROME, CONGENITAL, 6, PRESYNAPTIC. Identifiers: Orphanet 590, MedGen C0393929, MONDO:0009689, OMIM 254210.

Allele frequency attached by ClinVar (database versions not stated): gnomAD exomes below 0.00001 and 0.00002; gnomAD 0.00002; TOPMed 0.00002.
gnomAD v4.1: 25 of 1,613,806 alleles (0.0015%); highest among the groups gnomAD compares: Non-Finnish European, 0.002%; no homozygotes.

Submissions (3):

Women's Health and Genetics/Laboratory Corporation of America, LabCorp
Classification: Likely pathogenic for Congenital myasthenic syndrome. Last evaluated: 2025-04-19. Review status: criteria provided, single submitter. Criteria: LabCorp Variant Classification Summary - May 2015. Collection method: clinical testing. Allele origin: germline.
Comment: Variant summary: CHAT c.1840-9A>G alters a conserved nucleotide located at a position not widely known to affect splicing. Several computational tools predict a significant impact on normal splicing: Three predict the variant abolishes the canonical 3' splicing acceptor site. Four predict the variant creates a novel intronic upstream 3' splicing acceptor site. However, these predictions have yet to be confirmed by functional studies. The variant allele was found at a frequency of 4e-06 in 251380 control chromosomes. c.1840-9A>G has been observed as a biallelic compound heterozygous genotype in at-least two individual(s) affected with Congenital Myasthenic Syndrome (Dhasakeerthi_2021 and internal data). To our knowledge, no experimental evidence demonstrating an impact on protein function has been reported. The following publications have been ascertained in the context of this evaluation (PMID: 34431804). ClinVar contains an entry for this variant (Variation ID: 432145). Based on the evidence outlined above, the variant was classified as likely pathogenic.

Labcorp Genetics (formerly Invitae), Labcorp
Classification: Pathogenic for Familial infantile myasthenia. Last evaluated: 2024-01-30. Review status: criteria provided, single submitter. Criteria: Invitae Variant Classification Sherloc (09022015). Collection method: clinical testing. Allele origin: germline.
Comment: This sequence change falls in intron 13 of the CHAT gene. It does not directly change the encoded amino acid sequence of the CHAT protein. This variant is present in population databases (no rsID available, gnomAD 0.002%). This variant has been observed in individual(s) with congenital myasthenic syndrome (Invitae). In at least one individual the data is consistent with being in trans (on the opposite chromosome) from a pathogenic variant. ClinVar contains an entry for this variant (Variation ID: 432145). Algorithms developed to predict the effect of sequence changes on RNA splicing suggest that this variant may disrupt the consensus splice site. For these reasons, this variant has been classified as Pathogenic.

GeneDx
Classification: Likely pathogenic. Last evaluated: 2017-09-07. Review status: criteria provided, single submitter. Criteria: GeneDx Variant Classification (06012015). Collection method: clinical testing. Allele origin: germline. Affected: yes.
Comment: The c.1840-9 A>G variant has not been published as a pathogenic variant, nor has it been reported as a benign variant to our knowledge. It was not observed in approximately 6,500 individuals of European and African American ancestry in the NHLBI Exome Sequencing Project, indicating it is not a common benign variant in these populations. Several in silico prediction models predict c.1840-9 A>G may create a new splice acceptor site in intron 13 and lead to abnormal gene splicing. However, in the absence of RNA/functional studies the actual effect of this sequence change is unknown.

Literature cited by the submitters: PubMed 34431804 (cited by Women's Health and Genetics/Laboratory Corporation of America, LabCorp).

NM_020549.5(CHAT):c.1840-9A>G

Gene: CHAT (choline O-acetyltransferase; plus strand). Cytogenetic location: 10q11.23.
Variant type: single nucleotide variant.
Coding change: c.1840-9A>G on transcript NM_020549.5 (MANE Select); 9 bases into the intron before coding-DNA position 1840, A replaced by G.
Molecular consequence: intron variant.
Genome position (GRCh38, 1-based): chr10:49,662,636, A>G. VCF-style: chr10-49662636-A-G. GRCh37 (hg19) VCF-style: chr10-50870682-A-G.
Other names: c.1486-9A>G (NM_020984.4, NM_020985.4, NM_020986.4 and 2 more transcripts); c.1594-9A>G (NM_001142933.2).
Identifiers: ClinVar variation 432145 (VCV000432145.13), dbSNP rs1279554995, ClinGen allele CA593366280.